The following is an entry in ClinVar:

ClinVar aggregate classification (germline): Uncertain significance. Review status: criteria provided, multiple submitters, no conflicts (2 of 4 stars). 3 submissions from 3 submitters: Uncertain significance (3). Last evaluated 2025-10-22.

Conditions:
Inborn genetic diseases. Identifiers: MedGen C0950123, MeSH D030342.

Submissions (3):

Ambry Genetics
Classification: Uncertain significance for Inborn genetic diseases. Last evaluated: 2025-10-22. Review status: criteria provided, single submitter. Criteria: Ambry Variant Classification Scheme 2023. Collection method: clinical testing. Allele origin: germline.

Labcorp Genetics (formerly Invitae), Labcorp
Classification: Uncertain significance. Last evaluated: 2025-01-19. Review status: criteria provided, single submitter. Criteria: Invitae Variant Classification Sherloc (09022015). Collection method: clinical testing. Allele origin: germline.
Comment: This sequence change replaces leucine, which is neutral and non-polar, with glutamine, which is neutral and polar, at codon 9 of the ISCA2 protein (p.Leu9Gln). This variant is present in population databases (no rsID available, gnomAD 0.01%). This variant has not been reported in the literature in individuals affected with ISCA2-related conditions. An algorithm developed to predict the effect of missense changes on protein structure and function outputs the following: PolyPhen-2: "Benign". The glutamine amino acid residue is found in multiple mammalian species, which suggests that this missense change does not adversely affect protein function. In summary, the available evidence is currently insufficient to determine the role of this variant in disease. Therefore, it has been classified as a Variant of Uncertain Significance.

GeneDx
Classification: Uncertain significance. Last evaluated: 2024-05-06. Review status: criteria provided, single submitter. Criteria: GeneDx Variant Classification Process June 2021. Collection method: clinical testing. Allele origin: germline. Affected: yes.
Comment: In silico analysis supports that this missense variant has a deleterious effect on protein structure/function; Has not been previously published as pathogenic or benign to our knowledge

NM_194279.4(ISCA2):c.26T>A (p.Leu9Gln)

Genes: ISCA2 (iron-sulfur cluster assembly 2; plus strand), NPC2 (NPC intracellular cholesterol transporter 2; minus strand), LOC130056095 (ATAC-STARR-seq lymphoblastoid active region 8728; plus strand). Cytogenetic location: 14q24.3.
Variant type: single nucleotide variant.
Coding change: c.26T>A on transcript NM_194279.4 (MANE Select); coding-DNA position 26, T replaced by A.
Protein change: p.Leu9Gln; replaces leucine 9 with glutamine.
Molecular consequence: missense variant.
Genome position (GRCh38, 1-based): chr14:74,493,800, T>A. VCF-style: chr14-74493800-T-A. GRCh37 (hg19) VCF-style: chr14-74960503-T-A.
Other names: c.26T>A, p.Leu9Gln (NM_001272007.2); c.26T>A (NM_194279.2); short protein forms L9Q.
Identifiers: ClinVar variation 3376048 (VCV003376048.4).